The following is an entry in ClinVar:

NM_001042492.3(NF1):c.4598G>T (p.Arg1533Ile)

Gene: NF1 (neurofibromin 1; plus strand). Cytogenetic location: 17q11.2.
Variant type: single nucleotide variant.
Coding change: c.4598G>T on transcript NM_001042492.3 (MANE Select); coding-DNA position 4598, G replaced by T.
Protein change: p.Arg1533Ile; replaces arginine 1533 with isoleucine.
Molecular consequence: missense variant.
Genome position (GRCh38, 1-based): chr17:31,261,731, G>T. VCF-style: chr17-31261731-G-T. GRCh37 (hg19) VCF-style: chr17-29588749-G-T.
Other names: c.4535G>T, p.Arg1512Ile (NM_000267.4); short protein forms R1512I, R1533I.
Identifiers: ClinVar variation 4755761 (VCV004755761.1).
Genomic context (GRCh38, chr17:31,261,731, plus strand): 5'-GAACTGCTAATTTTTTTTCTAAGTAGTTTGCTGTATCTAGGGATCATAAAGCTGTTGGAA[G>T]ACGACCTTTTGATAAGATGGCAACACTTCTTGCATACCTGGGTCCTCCAGAGCACAAACC-3'
Protein context (NP_001035957.1, residues 1523-1543): SSNRDHKAVG[Arg1533Ile]RPFDKMATLL

ClinVar aggregate classification (germline): Likely pathogenic (1 of 4 stars; one submission).

Submission:

GeneDx
Classification: Likely pathogenic. Last evaluated: 2025-08-05. Review status: criteria provided, single submitter. Criteria: GeneDx Variant Classification Process June 2021. Collection method: clinical testing. Allele origin: germline. Affected: yes.
Comment: Not observed at significant frequency in large population cohorts (gnomAD); In silico analysis supports that this missense variant has a deleterious effect on protein structure/function; Has not been previously published as pathogenic or benign to our knowledge; This variant is associated with the following publications: (PMID: 22807134, 27838393)